The following is an entry in ClinVar:

NM_000268.4(NF2):c.941A>G (p.Asp314Gly)

Gene: NF2 (NF2, moesin-ezrin-radixin like (MERLIN) tumor suppressor; plus strand). Cytogenetic location: 22q12.2.
Variant type: single nucleotide variant.
Coding change: c.941A>G on transcript NM_000268.4 (MANE Select); coding-DNA position 941, A replaced by G.
Protein change: p.Asp314Gly; replaces aspartic acid 314 with glycine.
Molecular consequence: missense variant. On other transcripts: non-coding transcript variant (1), intron variant (1).
Genome position (GRCh38, 1-based): chr22:29,668,388, A>G. VCF-style: chr22-29668388-A-G. GRCh37 (hg19) VCF-style: chr22-30064377-A-G.
Other names: c.941A>G, p.Asp314Gly (NM_016418.5, NM_181825.3, NM_181832.3); c.815A>G, p.Asp272Gly (NM_181828.3); c.818A>G, p.Asp273Gly (NM_181829.3); c.692A>G, p.Asp231Gly (NM_181830.3, NM_181831.3); c.447+26103A>G (NM_181833.3); short protein forms D314G, D272G, D231G, D273G.
Identifiers: ClinVar variation 1398455 (VCV001398455.12), dbSNP rs2147052381, ClinGen allele CA411145850.
Genomic context (GRCh38, chr22:29,668,388, plus strand): 5'-CACAGATTCTCCAGCTATGTATCGGGAACCATGATCTATTTATGAGGAGAAGGAAAGCCG[A>G]TTCTTTGGAAGTTCAGCAGATGAAAGCCCAGGCCAGGGAGGAGAAGGCTAGAAAGCAGGT-3'
Protein context (NP_000259.1, residues 304-324): HDLFMRRRKA[Asp314Gly]SLEVQQMKAQ

ClinVar aggregate classification (germline): Uncertain significance (1 of 4 stars; one submission).

Conditions:
Neurofibromatosis, type 2 (SWNV). Also called: BILATERAL ACOUSTIC NEUROFIBROMATOSIS; NF2-Related Schwannomatosis; SCHWANNOMATOSIS, VESTIBULAR. Identifiers: Orphanet 637, MedGen C0027832, MONDO:0007039, OMIM 101000. Disease mechanism: loss of function.

Submission:

Labcorp Genetics (formerly Invitae), Labcorp
Classification: Uncertain significance for Neurofibromatosis, type 2. Last evaluated: 2021-07-11. Review status: criteria provided, single submitter. Criteria: Invitae Variant Classification Sherloc (09022015). Collection method: clinical testing. Allele origin: germline.
Comment: This sequence change replaces aspartic acid with glycine at codon 314 of the NF2 protein (p.Asp314Gly). The aspartic acid residue is highly conserved and there is a moderate physicochemical difference between aspartic acid and glycine. This variant is not present in population databases (ExAC no frequency) and has not been reported in the literature in individuals with a NF2-related disease. Algorithms developed to predict the effect of missense changes on protein structure and function do not agree on the potential impact of this missense change (SIFT: "Deleterious"; PolyPhen-2: "Benign"; Align-GVGD: "Class C65"). In summary, this variant is a novel missense change with uncertain impact on protein function. It has been classified as a Variant of Uncertain Significance.